The following is an entry in ClinVar:

NM_024675.4(PALB2):c.74A>G (p.Lys25Arg)

Gene: PALB2 (partner and localizer of BRCA2; minus strand). Cytogenetic location: 16p12.2.
Variant type: single nucleotide variant.
Coding change: c.74A>G on transcript NM_024675.4 (MANE Select); coding-DNA position 74, A replaced by G.
Protein change: p.Lys25Arg; replaces lysine 25 with arginine.
Molecular consequence: missense variant.
Genome position (GRCh38, 1-based): chr16:23,638,104, T>C on the plus strand (A>G on the coding strand, the complement: PALB2 is on the minus strand). VCF-style: chr16-23638104-T-C. GRCh37 (hg19) VCF-style: chr16-23649425-T-C.
Other names: short protein forms K25R.
Identifiers: ClinVar variation 987832 (VCV000987832.1), dbSNP rs1967111893, ClinGen allele CA395139798.

ClinVar aggregate classification (germline): Uncertain significance (1 of 4 stars; one submission).

Submission:

Women's Health and Genetics/Laboratory Corporation of America, LabCorp
Classification: Uncertain significance. Last evaluated: 2020-11-19. Review status: criteria provided, single submitter. Criteria: LabCorp Variant Classification Summary - May 2015. Collection method: clinical testing. Allele origin: germline.
Comment: Variant summary: PALB2 c.74A>G (p.Lys25Arg) results in a conservative amino acid change in the encoded protein sequence. Four of five in-silico tools predict a benign effect of the variant on protein function. The variant was absent in 251470 control chromosomes (gnomAD). The available data on variant occurrences in the general population are insufficient to allow any conclusion about variant significance. To our knowledge, no occurrence of c.74A>G in individuals affected with Hereditary Breast and Ovarian Cancer Syndrome and no experimental evidence demonstrating its impact on protein function have been reported. Co-occurrences with other pathogenic variant(s) have been reported (PALB2 c.3067C>T / p.Gln1023X; in an internal LCA sample), providing supporting evidence for a benign role. No clinical diagnostic laboratories have submitted clinical-significance assessments for this variant to ClinVar after 2014. Based on the evidence outlined above, the variant was classified as uncertain significance.